The following is an entry in ClinVar:

NM_031889.3(ENAM):c.168+5G>A

Gene: ENAM (enamelin; plus strand). Cytogenetic location: 4q13.3.
Variant type: single nucleotide variant.
Coding change: c.168+5G>A on transcript NM_031889.3 (MANE Select); 5 bases into the intron after coding-DNA position 168, G replaced by A.
Molecular consequence: intron variant.
Genome position (GRCh38, 1-based): chr4:70,631,898, G>A. VCF-style: chr4-70631898-G-A. GRCh37 (hg19) VCF-style: chr4-71497615-G-A.
Identifiers: ClinVar variation 3896633 (VCV003896633.2).

ClinVar aggregate classification (germline): Uncertain significance (1 of 4 stars; one submission).

Submission:

Women's Health and Genetics/Laboratory Corporation of America, LabCorp
Classification: Uncertain significance. Last evaluated: 2025-04-25. Review status: criteria provided, single submitter. Criteria: LabCorp Variant Classification Summary - May 2015. Collection method: clinical testing. Allele origin: germline.
Comment: Variant summary: ENAM c.168+5G>A alters a nucleotide located close to a canonical splice site and therefore could affect mRNA splicing, leading to a significantly altered protein sequence. Several computational tools predict a significant impact on normal splicing: Four predict the variant weakens a 5' donor site. Three predict the variant abolishes a cryptic 5' donor site. However, these predictions have yet to be confirmed by functional studies. The variant was absent in 251240 control chromosomes. The available data on variant occurrences in the general population are insufficient to allow any conclusion about variant significance. To our knowledge, no occurrence of c.168+5G>A in individuals affected with ENAM-Related Disorders and no experimental evidence demonstrating its impact on protein function have been reported. No submitters have cited clinical-significance assessments for this variant to ClinVar. Based on the evidence outlined above, the variant was classified as uncertain significance.